The following is an entry in ClinVar:

NM_001386795.1(DTNA):c.821G>A (p.Gly274Glu)

Gene: DTNA (dystrobrevin alpha; plus strand). Cytogenetic location: 18q12.1.
Variant type: single nucleotide variant.
Coding change: c.821G>A on transcript NM_001386795.1 (MANE Select); coding-DNA position 821, G replaced by A.
Protein change: p.Gly274Glu; replaces glycine 274 with glutamic acid.
Molecular consequence: missense variant. On other transcripts: intron variant (1).
Genome position (GRCh38, 1-based): chr18:34,818,275, G>A. VCF-style: chr18-34818275-G-A. GRCh37 (hg19) VCF-style: chr18-32398239-G-A.
Other names: c.821G>A, p.Gly274Glu (NM_001386758.1, NM_001386759.1, NM_001386760.1 and 34 more transcripts); c.603+6162G>A (NM_001198945.2); c.71G>A, p.Gly24Glu (NM_001198943.1); short protein forms G274E, G24E.
Identifiers: ClinVar variation 2071315 (VCV002071315.4), dbSNP rs2518055574, ClinGen allele CA402168917.

ClinVar aggregate classification (germline): Uncertain significance (1 of 4 stars; one submission).

Conditions:
Left ventricular noncompaction 1 (LVNC1). Also called: LEFT VENTRICULAR NONCOMPACTION 1 WITH OR WITHOUT CONGENITAL HEART DEFECTS. Identifiers: Orphanet 54260, MedGen C1858725, MONDO:0011403, OMIM 604169.

Submission:

Labcorp Genetics (formerly Invitae), Labcorp
Classification: Uncertain significance for Left ventricular noncompaction 1. Last evaluated: 2022-01-03. Review status: criteria provided, single submitter. Criteria: Invitae Variant Classification Sherloc (09022015). Collection method: clinical testing. Allele origin: germline.
Comment: In summary, the available evidence is currently insufficient to determine the role of this variant in disease. Therefore, it has been classified as a Variant of Uncertain Significance. Algorithms developed to predict the effect of missense changes on protein structure and function (SIFT, PolyPhen-2, Align-GVGD) all suggest that this variant is likely to be disruptive. This variant has not been reported in the literature in individuals affected with DTNA-related conditions. This variant is not present in population databases (gnomAD no frequency). This sequence change replaces glycine, which is neutral and non-polar, with glutamic acid, which is acidic and polar, at codon 274 of the DTNA protein (p.Gly274Glu).